The following is an entry in ClinVar:

NM_000093.5(COL5A1):c.5370+14G>A

Genes: COL5A1 (collagen type V alpha 1 chain; plus strand), LOC101448202 (uncharacterized LOC101448202; minus strand). Cytogenetic location: 9q34.3.
Variant type: single nucleotide variant.
Coding change: c.5370+14G>A on transcript NM_000093.5 (MANE Select); 14 bases into the intron after coding-DNA position 5370, G replaced by A.
Molecular consequence: intron variant.
Genome position (GRCh38, 1-based): chr9:134,835,218, G>A. VCF-style: chr9-134835218-G-A. GRCh37 (hg19) VCF-style: chr9-137727064-G-A.
Other names: c.5370+14G>A (NM_001278074.1).
Identifiers: ClinVar variation 381489 (VCV000381489.9), dbSNP rs201082330, ClinGen allele CA5320705.

ClinVar aggregate classification (germline): Benign/Likely benign. Review status: criteria provided, multiple submitters, no conflicts (2 of 4 stars). 4 submissions from 4 submitters: Benign (2); Likely benign (2). Last evaluated 2026-01-26.

Conditions:
Ehlers-Danlos syndrome, classic type, 1 (EDSCL1). Also called: Ehlers-Danlos syndrome, type 1; EHLERS-DANLOS SYNDROME, GRAVIS TYPE; EHLERS-DANLOS SYNDROME, SEVERE CLASSIC TYPE; Ehlers-Danlos Syndrome, Classic Type, COL5A1-Related; EDS I. Identifiers: MedGen C0268335, MONDO:0019567, OMIM 130000.

Allele frequency attached by ClinVar (database versions not stated): gnomAD exomes 0.00006 and 0.00013; ESP Exome Variant Server 0.00015; gnomAD 0.00016 and 0.00019; ExAC 0.00022; TOPMed 0.00026; 1000 Genomes Project 30x 0.00094; 1000 Genomes Project 0.00100.
gnomAD v4.1: 116 of 1,607,252 alleles (0.0072%); highest among the groups gnomAD compares: African/African-American, 0.071%; no homozygotes.

Submissions (4):

Labcorp Genetics (formerly Invitae), Labcorp
Classification: Benign for Ehlers-Danlos syndrome, classic type, 1. Last evaluated: 2026-01-26. Review status: criteria provided, single submitter. Criteria: Invitae Variant Classification Sherloc (09022015). Collection method: clinical testing. Allele origin: germline.

Women's Health and Genetics/Laboratory Corporation of America, LabCorp
Classification: Benign. Last evaluated: 2025-01-14. Review status: criteria provided, single submitter. Criteria: LabCorp Variant Classification Summary - May 2015. Collection method: clinical testing. Allele origin: germline.

Blueprint Genetics
Classification: Likely benign. Last evaluated: 2024-05-08. Review status: criteria provided, single submitter. Criteria: ACMG Guidelines, 2015. Collection method: clinical testing. Allele origin: germline.

GeneDx
Classification: Likely benign. Last evaluated: 2015-11-13. Review status: criteria provided, single submitter. Criteria: GeneDx Variant Classification (06012015). Collection method: clinical testing. Allele origin: germline. Affected: yes.
Comment: This variant is considered likely benign or benign based on one or more of the following criteria: it is a conservative change, it occurs at a poorly conserved position in the protein, it is predicted to be benign by multiple in silico algorithms, and/or has population frequency not consistent with disease.